The following is an entry in ClinVar:

NM_015662.3(IFT172):c.3023A>G (p.Lys1008Arg)

Gene: IFT172 (intraflagellar transport 172; minus strand). Cytogenetic location: 2p23.3.
Variant type: single nucleotide variant.
Coding change: c.3023A>G on transcript NM_015662.3 (MANE Select); coding-DNA position 3023, A replaced by G.
Protein change: p.Lys1008Arg; replaces lysine 1008 with arginine.
Molecular consequence: missense variant.
Genome position (GRCh38, 1-based): chr2:27,457,929, T>C on the plus strand (A>G on the coding strand, the complement: IFT172 is on the minus strand). VCF-style: chr2-27457929-T-C. GRCh37 (hg19) VCF-style: chr2-27680796-T-C.
Other names: c.2957A>G, p.Lys986Arg (NM_001410739.1); c.3023A>G (NM_015662.2); short protein forms K1008R, K986R.
Identifiers: ClinVar variation 2016989 (VCV002016989.5), dbSNP rs372047259, ClinGen allele CA1580101.

ClinVar aggregate classification (germline): Uncertain significance. Review status: criteria provided, single submitter (1 of 4 stars). 2 submissions from 2 submitters: Uncertain significance (1). 1 of the submissions does not count toward it. Last evaluated 2022-07-14.

Conditions:
Short-rib thoracic dysplasia 10 with or without polydactyly (SRTD10). Identifiers: Orphanet 474, MedGen C3810175, MONDO:0014284, OMIM 615630.
Retinitis pigmentosa 71 (RP71). Identifiers: Orphanet 791, MedGen C4225342, MONDO:0014618, OMIM 616394.
IFT172-related disorder. Also called: IFT172-related condition; IFT172-related disorders.

Allele frequency attached by ClinVar (database versions not stated): ExAC 0.00001; gnomAD 0.00001.
gnomAD v4.1: 10 of 1,614,202 alleles (0.00062%); highest among the groups gnomAD compares: African/African-American, 0.0013%; no homozygotes.

Submissions (2):

Labcorp Genetics (formerly Invitae), Labcorp
Classification: Uncertain significance for Retinitis pigmentosa 71; Short-rib thoracic dysplasia 10 with or without polydactyly. Last evaluated: 2022-07-14. Review status: criteria provided, single submitter. Criteria: Invitae Variant Classification Sherloc (09022015). Collection method: clinical testing. Allele origin: germline.
Comment: This variant has not been reported in the literature in individuals affected with IFT172-related conditions. In summary, the available evidence is currently insufficient to determine the role of this variant in disease. Therefore, it has been classified as a Variant of Uncertain Significance. Algorithms developed to predict the effect of sequence changes on RNA splicing suggest that this variant may create or strengthen a splice site. Algorithms developed to predict the effect of missense changes on protein structure and function (SIFT, PolyPhen-2, Align-GVGD) all suggest that this variant is likely to be tolerated. This variant is present in population databases (rs372047259, gnomAD 0.0009%). This sequence change replaces lysine, which is basic and polar, with arginine, which is basic and polar, at codon 1008 of the IFT172 protein (p.Lys1008Arg).

PreventionGenetics, part of Exact Sciences
Classification: Uncertain significance for IFT172-related condition. Last evaluated: 2024-05-15. Review status: no assertion criteria provided. Collection method: clinical testing. Allele origin: germline. Not counted in ClinVar's aggregate classification.
Comment: The IFT172 c.3023A>G variant is predicted to result in the amino acid substitution p.Lys1008Arg. To our knowledge, this variant has not been reported in the literature. This variant is reported in 0.00088% of alleles in individuals of European (Non-Finnish) descent in gnomAD. At this time, the clinical significance of this variant is uncertain due to the absence of conclusive functional and genetic evidence.